The following is an entry in ClinVar:

NM_020066.5(FMN2):c.3393T>A (p.Pro1131=)

Gene: FMN2 (formin 2; plus strand). Cytogenetic location: 1q43.
Variant type: single nucleotide variant.
Coding change: c.3393T>A on transcript NM_020066.5 (MANE Select); coding-DNA position 3393, T replaced by A.
Protein change: p.Pro1131=; no amino-acid change (proline 1131 retained).
Molecular consequence: synonymous variant. On other transcripts: intron variant (1).
Genome position (GRCh38, 1-based): chr1:240,208,205, T>A. VCF-style: chr1-240208205-T-A. GRCh37 (hg19) VCF-style: chr1-240371505-T-A.
Other names: c.3393T>A (NM_020066.4); c.3405T>A, p.Pro1135= (NM_001305424.2); c.1986+19943T>A (NM_001348094.2).
Identifiers: ClinVar variation 2640189 (VCV002640189.26), dbSNP rs372049087, ClinGen allele CA1477151.
Genomic context (GRCh38, chr1:240,208,205, plus strand): 5'-CCCTCTACCCGGAGCGGGCATACCCCCTCCTCCCCCTCTACCCGGAGCGGGCATACCCCC[T>A]CCTCCCCCTCTTCCCGGAGCGGGCATACCTCCTCCACCCCCTCTACCCAGAGTGGGCATA-3'
Protein context (NP_064450.3, residues 1121-1141): PPPLPGAGIP[Pro1131=]PPPLPGAGIP

ClinVar aggregate classification (germline): Likely benign. Review status: criteria provided, multiple submitters, no conflicts (2 of 4 stars). 3 submissions from 3 submitters: Likely benign (2). 1 of the submissions does not count toward it. Last evaluated 2024-09-23.

Conditions:
FMN2-related disorder. Also called: FMN2-related condition.

Allele frequency attached by ClinVar (database versions not stated): gnomAD exomes 0.00005; ExAC 0.00016; ESP Exome Variant Server 0.00016.

Submissions (3):

Blueprint Genetics
Classification: Likely benign. Last evaluated: 2024-09-23. Review status: criteria provided, single submitter. Criteria: ACMG Guidelines, 2015. Collection method: clinical testing. Allele origin: germline.

CeGaT Center for Human Genetics Tuebingen
Classification: Likely benign. Last evaluated: 2024-09-01. Review status: criteria provided, single submitter. Criteria: CeGaT Center For Human Genetics Tuebingen Variant Classification Criteria Version 2. Collection method: clinical testing. Allele origin: germline. Affected: yes. Observed: 2 variant alleles.
Comment: FMN2: BP4, BP7

PreventionGenetics, part of Exact Sciences
Classification: Likely benign for FMN2-related condition. Last evaluated: 2019-06-07. Review status: no assertion criteria provided. Collection method: clinical testing. Allele origin: germline. Not counted in ClinVar's aggregate classification.
Comment: This variant is classified as likely benign based on ACMG/AMP sequence variant interpretation guidelines (Richards et al. 2015 PMID: 25741868, with internal and published modifications).